The following is an entry in ClinVar:

NM_173660.5(DOK7):c.653-19A>C

Gene: DOK7 (docking protein 7; plus strand). Cytogenetic location: 4p16.3.
Variant type: single nucleotide variant.
Coding change: c.653-19A>C on transcript NM_173660.5 (MANE Select); 19 bases into the intron before coding-DNA position 653, A replaced by C.
Molecular consequence: intron variant.
Genome position (GRCh38, 1-based): chr4:3,489,658, A>C. VCF-style: chr4-3489658-A-C. GRCh37 (hg19) VCF-style: chr4-3491385-A-C.
Other names: c.653-19A>C (NM_001301071.2); c.221-19A>C (NM_001363811.2); c.642-19A>C (NM_001164673.2); c.-278-19A>C (NM_001256896.2).
Identifiers: ClinVar variation 262885 (VCV000262885.10), dbSNP rs191981243, ClinGen allele CA2829131.
Genomic context (GRCh38, chr4:3,489,658, plus strand): 5'-GTCAGGCTGGGCCTGGTGCCTGCGGGCGAGGGTGGGCGGTGGTGGCCACCTCCTCCACCG[A>C]GTCTTCTCTCTGCCACAGACCCAAGTCCCCCGGGACCCTCGACTGTGGAGGAGCGTGTGG-3'

ClinVar aggregate classification (germline): Benign. Review status: criteria provided, multiple submitters, no conflicts (2 of 4 stars). 4 submissions from 4 submitters: Benign (4). Last evaluated 2026-02-02.

Conditions:
Fetal akinesia deformation sequence 1 (FADS1). Also called: Pena-Shokeir syndrome type I; Fetal akinesia sequence. Identifiers: Orphanet 994, MedGen C1276035, MONDO:0100101, OMIM 208150, HP:0001989.
Congenital myasthenic syndrome 10. Also called: Myasthenia, limb-girdle, familial. Identifiers: Orphanet 590, MedGen C1850792, MONDO:0009690, OMIM 254300.

Allele frequency attached by ClinVar (database versions not stated): gnomAD exomes 0.01197 and 0.01806; ExAC 0.01287; gnomAD 0.01231 and 0.01206; ESP Exome Variant Server 0.01292; 1000 Genomes Project 0.00699; 1000 Genomes Project 30x 0.00703; TOPMed 0.01134.
gnomAD v4.1: 27,035 of 1,562,800 alleles (1.7%); highest among the groups gnomAD compares: Non-Finnish European, 2%; 315 homozygotes.

Submissions (4):

Labcorp Genetics (formerly Invitae), Labcorp
Classification: Benign for Congenital myasthenic syndrome 10; Fetal akinesia deformation sequence 1. Last evaluated: 2026-02-02. Review status: criteria provided, single submitter. Criteria: Invitae Variant Classification Sherloc (09022015). Collection method: clinical testing. Allele origin: germline.

GeneDx
Classification: Benign. Last evaluated: 2018-02-12. Review status: criteria provided, single submitter. Criteria: GeneDx Variant Classification (06012015). Collection method: clinical testing. Allele origin: germline. Affected: yes.
Comment: This variant is considered likely benign or benign based on one or more of the following criteria: it is a conservative change, it occurs at a poorly conserved position in the protein, it is predicted to be benign by multiple in silico algorithms, and/or has population frequency not consistent with disease.

Breakthrough Genomics
Classification: Benign. Review status: criteria provided, single submitter. Criteria: ACMG Guidelines, 2015. Collection method: not provided. Allele origin: germline. Inheritance: Autosomal recessive inheritance. Affected: yes.

PreventionGenetics, part of Exact Sciences
Classification: Benign. Review status: criteria provided, single submitter. Criteria: ACMG Guidelines, 2015. Collection method: clinical testing. Allele origin: germline.